The following is an entry in ClinVar:

ClinVar aggregate classification (germline): Uncertain significance (1 of 4 stars; one submission).

Conditions:
Autosomal dominant limb-girdle muscular dystrophy type 1D (DNAJB6) (LGMDD1). Also called: Autosomal dominant limb-girdle muscular dystrophy type 1D; Muscular dystrophy, limb-girdle, autosomal dominant 1; MUSCULAR DYSTROPHY, AUTOSOMAL DOMINANT, WITH RIMMED VACUOLES; MUSCULAR DYSTROPHY, LIMB-GIRDLE, TYPE 1D. Identifiers: Orphanet 34516, MedGen C4721885, MONDO:0021018, OMIM 603511.

Allele frequency attached by ClinVar (database versions not stated): gnomAD exomes 0.00001 and 0.00002; ExAC 0.00009.
gnomAD v4.1: 5 of 1,531,984 alleles (0.00033%); highest among the groups gnomAD compares: South Asian, 0.006%; no homozygotes.

Submission:

Labcorp Genetics (formerly Invitae), Labcorp
Classification: Uncertain significance for Muscular Dystrophy, Limb-Girdle, Type 1E. Last evaluated: 2019-05-18. Review status: criteria provided, single submitter. Criteria: Invitae Variant Classification Sherloc (09022015). Collection method: clinical testing. Allele origin: germline.
Comment: This sequence change replaces leucine with valine at codon 295 of the DNAJB6 protein (p.Leu295Val). The leucine residue is weakly conserved and there is a small physicochemical difference between leucine and valine. While this variant is present in population databases (rs752873323), the frequency information is unreliable, as metrics indicate poor data quality at this position in the ExAC database. This variant has not been reported in the literature in individuals with DNAJB6-related conditions. Algorithms developed to predict the effect of missense changes on protein structure and function are either unavailable or do not agree on the potential impact of this missense change (SIFT: "Tolerated"; PolyPhen-2: "Not Available"; Align-GVGD: "Class C0"). In summary, the available evidence is currently insufficient to determine the role of this variant in disease. Therefore, it has been classified as a Variant of Uncertain Significance.

NM_058246.4(DNAJB6):c.883C>G (p.Leu295Val)

Gene: DNAJB6 (DnaJ heat shock protein family (Hsp40) member B6; plus strand). Cytogenetic location: 7q36.3.
Variant type: single nucleotide variant.
Coding change: c.883C>G on transcript NM_058246.4 (MANE Select); coding-DNA position 883, C replaced by G.
Protein change: p.Leu295Val; replaces leucine 295 with valine.
Molecular consequence: missense variant.
Genome position (GRCh38, 1-based): chr7:157,409,986, C>G. VCF-style: chr7-157409986-C-G. GRCh37 (hg19) VCF-style: chr7-157202680-C-G.
Other names: c.538C>G, p.Leu180Val (NM_001363676.1); short protein forms L295V, L180V.
Identifiers: ClinVar variation 943433 (VCV000943433.1), dbSNP rs752873323, ClinGen allele CA4590658.